The following is an entry in ClinVar:

ClinVar aggregate classification (germline): Uncertain significance (1 of 4 stars; one submission).

Conditions:
Glycogen storage disease, type II (IOPD). Also called: Glucosidase acid-1,4-alpha deficiency; POMPE DISEASE, INFANTILE-ONSET; GLYCOGEN STORAGE DISEASE II, INFANTILE-ONSET; ACID ALPHA-GLUCOSIDASE DEFICIENCY, INFANTILE-ONSET; GAA DEFICIENCY, INFANTILE-ONSET; ACID MALTASE DEFICIENCY, INFANTILE-ONSET. Identifiers: Orphanet 365, MedGen C0017921, MONDO:0009290, OMIM 232300.

Allele frequency attached by ClinVar (database versions not stated): gnomAD exomes 0.00001.
gnomAD v4.1: 9 of 1,613,172 alleles (0.00056%); highest among the groups gnomAD compares: Admixed American, 0.0033%; no homozygotes.

Submission:

Labcorp Genetics (formerly Invitae), Labcorp
Classification: Uncertain significance for Glycogen storage disease, type II. Last evaluated: 2022-06-27. Review status: criteria provided, single submitter. Criteria: Invitae Variant Classification Sherloc (09022015). Collection method: clinical testing. Allele origin: germline.
Comment: This sequence change replaces glutamine, which is neutral and polar, with arginine, which is basic and polar, at codon 255 of the GAA protein (p.Gln255Arg). This variant is present in population databases (no rsID available, gnomAD 0.006%). This variant has not been reported in the literature in individuals affected with GAA-related conditions. Advanced modeling of protein sequence and biophysical properties (such as structural, functional, and spatial information, amino acid conservation, physicochemical variation, residue mobility, and thermodynamic stability) performed at Invitae indicates that this missense variant is not expected to disrupt GAA protein function. In summary, the available evidence is currently insufficient to determine the role of this variant in disease. Therefore, it has been classified as a Variant of Uncertain Significance.

NM_000152.5(GAA):c.764A>G (p.Gln255Arg)

Gene: GAA (alpha glucosidase; plus strand). Cytogenetic location: 17q25.3.
Variant type: single nucleotide variant.
Coding change: c.764A>G on transcript NM_000152.5 (MANE Select); coding-DNA position 764, A replaced by G.
Protein change: p.Gln255Arg; replaces glutamine 255 with arginine.
Molecular consequence: missense variant.
Genome position (GRCh38, 1-based): chr17:80,107,628, A>G. VCF-style: chr17-80107628-A-G. GRCh37 (hg19) VCF-style: chr17-78081427-A-G.
Other names: c.764A>G, p.Gln255Arg (NM_001079803.3, NM_001079804.3); short protein forms Q255R.
Identifiers: ClinVar variation 1410546 (VCV001410546.3), dbSNP rs1405975877, ClinGen allele CA401363379.
Genomic context (GRCh38, chr17:80,107,628, plus strand): 5'-CGGTGGCGCCCCTGTTCTTTGCGGACCAGTTCCTTCAGCTGTCCACCTCGCTGCCCTCGC[A>G]GTATATCACAGGCCTCGCCGAGCACCTCAGTCCCCTGATGCTCAGCACCAGCTGGACCAG-3'
Protein context (NP_000143.2, residues 245-265): FLQLSTSLPS[Gln255Arg]YITGLAEHLS